The following is an entry in ClinVar:

NM_004656.4(BAP1):c.1729+1dup

Gene: BAP1 (BRCA1 associated deubiquitinase 1; minus strand). Cytogenetic location: 3p21.1.
Variant type: Duplication.
Coding change: c.1729+1dup on transcript NM_004656.4 (MANE Select); the canonical splice donor site of the intron after coding-DNA position 1729, one base duplicated (G; older notation c.1729+1dupG).
Molecular consequence: splice donor variant.
Genome position (GRCh38, 1-based): chr3:52,403,415, C duplicated on the plus strand (G on the coding strand, the reverse complement: BAP1 is on the minus strand); the first of 2 consecutive C bases (chr3:52,403,415-52,403,416); duplicating either gives the same sequence. VCF-style (leftmost placement, unchanged base first): chr3-52403414-A-AC. GRCh37 (hg19) VCF-style: chr3-52437430-A-AC.
Other names: c.1675+1dup (NM_001410772.1).
Identifiers: ClinVar variation 969301 (VCV000969301.10), dbSNP rs1559586374, ClinGen allele CA1139658113.

ClinVar aggregate classification (germline): Pathogenic (1 of 4 stars; one submission).

Conditions:
BAP1-related tumor predisposition syndrome (TPDS1). Also called: Tumor susceptibility linked to germline BAP1 mutations; TUMOR PREDISPOSITION SYNDROME 1; BAP1 tumor predisposition syndrome; COMMON Syndrome. Identifiers: Orphanet 289539, MedGen C3280492, MONDO:0013692, OMIM 614327.

Submission:

Labcorp Genetics (formerly Invitae), Labcorp
Classification: Pathogenic for BAP1-related tumor predisposition syndrome. Last evaluated: 2019-12-17. Review status: criteria provided, single submitter. Criteria: Invitae Variant Classification Sherloc (09022015). Collection method: clinical testing. Allele origin: germline.
Comment: This variant has not been reported in the literature in individuals with BAP1-related conditions. This variant is not present in population databases (ExAC no frequency). This sequence change creates a premature translational stop signal (p.Glu577Glyfs*66) in the BAP1 gene. It is expected to result in an absent or disrupted protein product. For these reasons, this variant has been classified as Pathogenic. Loss-of-function variants in BAP1 are known to be pathogenic (PMID: 21874000, 23684012).

Literature cited by the submitters: PubMed 21874000; PubMed 23684012.